The following is an entry in ClinVar:

NM_004281.4(BAG3):c.199A>T (p.Asn67Tyr)

Gene: BAG3 (BAG cochaperone 3; plus strand). Cytogenetic location: 10q26.11.
Variant type: single nucleotide variant.
Coding change: c.199A>T on transcript NM_004281.4 (MANE Select); coding-DNA position 199, A replaced by T.
Protein change: p.Asn67Tyr; replaces asparagine 67 with tyrosine.
Molecular consequence: missense variant.
Genome position (GRCh38, 1-based): chr10:119,669,869, A>T. VCF-style: chr10-119669869-A-T. GRCh37 (hg19) VCF-style: chr10-121429381-A-T.
Other names: short protein forms N67Y.
Identifiers: ClinVar variation 2923659 (VCV002923659.3), dbSNP rs2494008887, ClinGen allele CA378294632.

ClinVar aggregate classification (germline): Uncertain significance (1 of 4 stars; one submission).

Conditions:
Myofibrillar myopathy 6. Identifiers: Orphanet 199340, MedGen C2751831, MONDO:0013061, OMIM 612954.
Dilated cardiomyopathy 1HH (CMD1HH). Identifiers: Orphanet 154, MedGen C3151293, MONDO:0013479, OMIM 613881.

Submission:

Labcorp Genetics (formerly Invitae), Labcorp
Classification: Uncertain significance for Dilated cardiomyopathy 1HH; Myofibrillar myopathy 6. Last evaluated: 2025-11-25. Review status: criteria provided, single submitter. Criteria: Invitae Variant Classification Sherloc (09022015). Collection method: clinical testing. Allele origin: germline.
Comment: This sequence change replaces asparagine, which is neutral and polar, with tyrosine, which is neutral and polar, at codon 67 of the BAG3 protein (p.Asn67Tyr). This variant is not present in population databases (gnomAD no frequency). This variant has not been reported in the literature in individuals affected with BAG3-related conditions. ClinVar contains an entry for this variant (Variation ID: 2923659). Invitae Evidence Modeling of protein sequence and biophysical properties (such as structural, functional, and spatial information, amino acid conservation, physicochemical variation, residue mobility, and thermodynamic stability) indicates that this missense variant is expected to disrupt BAG3 protein function with a positive predictive value of 80%. In summary, the available evidence is currently insufficient to determine the role of this variant in disease. Therefore, it has been classified as a Variant of Uncertain Significance.